The following is an entry in ClinVar:

ClinVar aggregate classification (germline): Benign. Review status: criteria provided, single submitter (1 of 4 stars). 2 submissions from 2 submitters: Benign (1). 1 of the submissions does not count toward it. Last evaluated 2024-12-09.

Conditions:
Creatine transporter deficiency (CCDS1). Also called: Mental retardation , X-linked with seizures, short stature and midface hypoplasia; Mental retardation , X-linked, with creatine transport deficiency; X-linked creatine transporter deficiency; X-linked creatine deficiency syndrome; SLC6A8-Related Creatine Transporter Deficiency; CREATINE TRANSPORTER DEFECT. Identifiers: Orphanet 52503, MedGen C1845862, MONDO:0010305, OMIM 300352.
SLC6A8-related disorder. Also called: SLC6A8-related condition.

Allele frequency attached by ClinVar (database versions not stated): gnomAD 0.00001; 1000 Genomes Project 30x 0.00021; 1000 Genomes Project 0.00026.
gnomAD v4.1: 41 of 1,208,908 alleles (0.0034%); highest among the groups gnomAD compares: South Asian, 0.053%; no homozygotes.

Submissions (2):

Labcorp Genetics (formerly Invitae), Labcorp
Classification: Benign for Creatine transporter deficiency. Last evaluated: 2024-12-09. Review status: criteria provided, single submitter. Criteria: Invitae Variant Classification Sherloc (09022015). Collection method: clinical testing. Allele origin: germline.

PreventionGenetics, part of Exact Sciences
Classification: Likely benign for SLC6A8-related condition. Last evaluated: 2021-10-04. Review status: no assertion criteria provided. Collection method: clinical testing. Allele origin: germline. Not counted in ClinVar's aggregate classification.
Comment: This variant is classified as likely benign based on ACMG/AMP sequence variant interpretation guidelines (Richards et al. 2015 PMID: 25741868, with internal and published modifications).

NM_005629.4(SLC6A8):c.1392+17G>A

Gene: SLC6A8 (solute carrier family 6 member 8; plus strand). Cytogenetic location: Xq28.
Variant type: single nucleotide variant.
Coding change: c.1392+17G>A on transcript NM_005629.4 (MANE Select); 17 bases into the intron after coding-DNA position 1392, G replaced by A.
Molecular consequence: intron variant.
Genome position (GRCh38, 1-based): chrX:153,694,284, G>A. VCF-style: chrX-153694284-G-A. GRCh37 (hg19) VCF-style: chrX-152959739-G-A.
Other names: c.1362+17G>A (NM_001142805.2); c.1047+17G>A (NM_001142806.1); c.1392+17G>A (NM_005629.3).
Identifiers: ClinVar variation 1580267 (VCV001580267.10), dbSNP rs782120123, ClinGen allele CA10549499.